The following is an entry in ClinVar:

NM_005639.3(SYT1):c.605C>A (p.Thr202Asn)

Gene: SYT1 (synaptotagmin 1; plus strand). Cytogenetic location: 12q21.2.
Variant type: single nucleotide variant.
Coding change: c.605C>A on transcript NM_005639.3 (MANE Select); coding-DNA position 605, C replaced by A.
Protein change: p.Thr202Asn; replaces threonine 202 with asparagine.
Molecular consequence: missense variant.
Genome position (GRCh38, 1-based): chr12:79,296,199, C>A. VCF-style: chr12-79296199-C-A. GRCh37 (hg19) VCF-style: chr12-79689979-C-A.
Other names: c.605C>A, p.Thr202Asn (NM_001135805.2, NM_001135806.2, NM_001415938.1 and 2 more transcripts); c.596C>A, p.Thr199Asn (NM_001291901.2, NM_001415941.1, NM_001415942.1 and 1 more transcripts); short protein forms T199N, T202N.
Identifiers: ClinVar variation 2580451 (VCV002580451.1), dbSNP rs1879865822, ClinGen allele CA385929844.

ClinVar aggregate classification (germline): Uncertain significance (1 of 4 stars; one submission).

Allele frequency attached by ClinVar (database versions not stated): TOPMed 0.00001.

Submission:

GeneDx
Classification: Uncertain significance. Last evaluated: 2023-03-24. Review status: criteria provided, single submitter. Criteria: GeneDx Variant Classification Process June 2021. Collection method: clinical testing. Allele origin: germline. Affected: yes.
Comment: Not observed at significant frequency in large population cohorts (gnomAD); In silico analysis supports that this missense variant has a deleterious effect on protein structure/function; Has not been previously published as pathogenic or benign to our knowledge